The following is an entry in ClinVar:

ClinVar aggregate classification (germline): Pathogenic (1 of 4 stars; one submission).

Conditions:
Retinoblastoma (RB1). Also called: RETINOBLASTOMA, SOMATIC. Identifiers: Orphanet 790, MedGen C0035335, MeSH D012175, MONDO:0008380, OMIM 180200, HP:0009919. Disease mechanism: loss of function. Inheritance: Both sporadic and heritable forms are tested..

Submission:

Genetic Diagnostic Laboratory, University of Pennsylvania School of Medicine
Classification: Pathogenic for Retinoblastoma. Last evaluated: 2024-05-20. Review status: criteria provided, single submitter. Criteria: ACMG Guidelines, 2015. Collection method: clinical testing. Allele origin: germline. Affected: yes. Observed: 1 variant allele.
Comment: Case and Pedigree Information: BILATERAL CASES:1, UNILATERAL CASES:0, TOTAL CASES:1, PEDIGREES:1. ACMG Codes Applied:PVS1, PM2

NM_000321.3(RB1):c.961_963delinsAA (p.Tyr321fs)

Gene: RB1 (RB transcriptional corepressor 1; plus strand). Cytogenetic location: 13q14.2.
Variant type: Indel.
Coding change: c.961_963delinsAA on transcript NM_000321.3 (MANE Select); coding-DNA positions 961 to 963, TAC replaced by AA.
Protein change: p.Tyr321fs; shifts the reading frame from tyrosine 321.
Molecular consequence: frameshift variant.
Genome position (GRCh38, 1-based): chr13:48,367,515-48,367,517, TAC replaced by AA. VCF-style: chr13-48367515-TAC-AA. GRCh37 (hg19) VCF-style: chr13-48941651-TAC-AA.
Other names: c.961_963delinsAA, p.Tyr321fs (NM_001407165.1, NM_001407166.1); short protein forms Y321fs.
Identifiers: ClinVar variation 3236943 (VCV003236943.1), dbSNP rs2542188421.